The following is an entry in ClinVar:

ClinVar aggregate classification (germline): Likely benign (1 of 4 stars; one submission).

Conditions:
Hyperornithinemia-hyperammonemia-homocitrullinuria syndrome (HHHS). Also called: Ornithine translocase deficiency; HHH SYNDROME. Identifiers: Orphanet 415, MedGen C0268540, MONDO:0009393, OMIM 238970.

Allele frequency attached by ClinVar (database versions not stated): TOPMed 0.00139; gnomAD 0.00168 and 0.00174; 1000 Genomes Project 0.00240; 1000 Genomes Project 30x 0.00265.
gnomAD v4.1: 253 of 152,330 alleles (0.17%); highest among the groups gnomAD compares: African/African-American, 0.57%; 1 homozygote.

Submission:

Illumina Laboratory Services, Illumina
Classification: Likely benign for Hyperornithinemia-hyperammonemia-homocitrullinuria syndrome. Last evaluated: 2018-01-13. Review status: criteria provided, single submitter. Criteria: ICSL Variant Classification Criteria 13 December 2019. Collection method: clinical testing. Allele origin: germline.
Comment: This variant was observed in the ICSL laboratory as part of a predisposition screen in an ostensibly healthy population. It had not been previously curated by ICSL or reported in the Human Gene Mutation Database (HGMD: prior to June 1st, 2018), and was therefore a candidate for classification through an automated scoring system. Utilizing variant allele frequency, disease prevalence and penetrance estimates, and inheritance mode, an automated score was calculated to assess if this variant is too frequent to cause the disease. Based on the score and internal cut-off values, a variant classified as likely benign is not then subjected to further curation. The score for this variant resulted in a classification of likely benign for this disease.

NM_014252.4(SLC25A15):c.*606C>G

Gene: SLC25A15 (solute carrier family 25 member 15; plus strand). Cytogenetic location: 13q14.11.
Variant type: single nucleotide variant.
Coding change: c.*606C>G on transcript NM_014252.4 (MANE Select); 606 bases downstream of the stop codon, C replaced by G.
Molecular consequence: 3 prime UTR variant.
Genome position (GRCh38, 1-based): chr13:40,810,273, C>G. VCF-style: chr13-40810273-C-G. GRCh37 (hg19) VCF-style: chr13-41384409-C-G.
Identifiers: ClinVar variation 882127 (VCV000882127.4), dbSNP rs555003166, ClinGen allele CA248349178.
Genomic context (GRCh38, chr13:40,810,273, plus strand): 5'-CAGTGGCACGATCTCGGCTCACTGCAACCTCCGCCTCCTGGGTTCAAGCGATTCTCTCAC[C>G]TCAGCCTCCTGAGTAGCTGGGATTACAGGTACGCGCCACCATGTCCAGCTAATTTTTTTT-3'